The following is an entry in ClinVar:

NM_016111.4(TELO2):c.2329G>A (p.Val777Ile)

Gene: TELO2 (telomere maintenance 2; plus strand). Cytogenetic location: 16p13.3.
Variant type: single nucleotide variant.
Coding change: c.2329G>A on transcript NM_016111.4 (MANE Select); coding-DNA position 2329, G replaced by A.
Protein change: p.Val777Ile; replaces valine 777 with isoleucine.
Molecular consequence: missense variant.
Genome position (GRCh38, 1-based): chr16:1,507,638, G>A. VCF-style: chr16-1507638-G-A. GRCh37 (hg19) VCF-style: chr16-1557639-G-A.
Other names: c.2329G>A, p.Val777Ile (NM_001351846.2); short protein forms V777I.
Identifiers: ClinVar variation 3175814 (VCV003175814.2), dbSNP rs199878818, ClinGen allele CA7812631.

ClinVar aggregate classification (germline): Uncertain significance. Review status: criteria provided, multiple submitters, no conflicts (2 of 4 stars). 2 submissions from 2 submitters: Uncertain significance (2). Last evaluated 2025-10-23.

Conditions:
Inborn genetic diseases. Identifiers: MedGen C0950123, MeSH D030342.

Allele frequency attached by ClinVar (database versions not stated): TOPMed 0.00003; ExAC 0.00006; gnomAD 0.00007; 1000 Genomes Project 30x 0.00016; 1000 Genomes Project 0.00020.

Submissions (2):

Labcorp Genetics (formerly Invitae), Labcorp
Classification: Uncertain significance. Last evaluated: 2025-10-23. Review status: criteria provided, single submitter. Criteria: Invitae Variant Classification Sherloc (09022015). Collection method: clinical testing. Allele origin: germline.
Comment: This sequence change replaces valine, which is neutral and non-polar, with isoleucine, which is neutral and non-polar, at codon 777 of the TELO2 protein (p.Val777Ile). This variant is present in population databases (rs199878818, gnomAD 0.02%). This variant has not been reported in the literature in individuals affected with TELO2-related conditions. ClinVar contains an entry for this variant (Variation ID: 3175814). Invitae Evidence Modeling of protein sequence and biophysical properties (such as structural, functional, and spatial information, amino acid conservation, physicochemical variation, residue mobility, and thermodynamic stability) indicates that this missense variant is not expected to disrupt TELO2 protein function with a negative predictive value of 95%. In summary, the available evidence is currently insufficient to determine the role of this variant in disease. Therefore, it has been classified as a Variant of Uncertain Significance.

Ambry Genetics
Classification: Uncertain significance for Inborn genetic diseases. Last evaluated: 2023-12-16. Review status: criteria provided, single submitter. Criteria: Ambry Variant Classification Scheme 2023. Collection method: clinical testing. Allele origin: germline.